The following is an entry in ClinVar:

NM_001042492.3(NF1):c.6556T>G (p.Ser2186Ala)

Gene: NF1 (neurofibromin 1; plus strand). Cytogenetic location: 17q11.2.
Variant type: single nucleotide variant.
Coding change: c.6556T>G on transcript NM_001042492.3 (MANE Select); coding-DNA position 6556, T replaced by G.
Protein change: p.Ser2186Ala; replaces serine 2186 with alanine.
Molecular consequence: missense variant.
Genome position (GRCh38, 1-based): chr17:31,337,496, T>G. VCF-style: chr17-31337496-T-G. GRCh37 (hg19) VCF-style: chr17-29664514-T-G.
Other names: c.6493T>G, p.Ser2165Ala (NM_000267.4); short protein forms S2165A, S2186A.
Identifiers: ClinVar variation 3237884 (VCV003237884.1), dbSNP rs765867354.
Genomic context (GRCh38, chr17:31,337,496, plus strand): 5'-GGCATTAGCAAAGTCAAGTCAGCTGCTGTCATTGCCTTCCGTTCCAGTTACCGGGACAGG[T>G]CATTCTCTCCTGGCTCCTATGAGAGAGAGACTTTTGCTTTGACATCCTTGGAAACAGTCA-3'
Protein context (NP_001035957.1, residues 2176-2196): IAFRSSYRDR[Ser2186Ala]FSPGSYERET

ClinVar aggregate classification (germline): Uncertain significance (1 of 4 stars; one submission).

Conditions:
Hereditary cancer-predisposing syndrome. Also called: Neoplastic Syndromes, Hereditary; Tumor predisposition; Hereditary neoplastic syndrome; Hereditary Cancer Syndrome. Identifiers: Orphanet 140162, MedGen C0027672, MeSH D009386, MONDO:0015356.
Cardiovascular phenotype. Identifiers: MedGen CN230736.

Allele frequency attached by ClinVar (database versions not stated): gnomAD exomes below 0.00001; ExAC 0.00001.
gnomAD v4.1: 1 of 1,614,146 alleles (0.000062%); highest among the groups gnomAD compares: Non-Finnish European, 0.000085%; no homozygotes.

Submission:

Ambry Genetics
Classification: Uncertain significance for Cardiovascular phenotype; Hereditary cancer-predisposing syndrome. Last evaluated: 2023-04-03. Review status: criteria provided, single submitter. Criteria: Ambry Variant Classification Scheme 2023. Collection method: clinical testing. Allele origin: germline.
Comment: The p.S2165A variant (also known as c.6493T>G), located in coding exon 42 of the NF1 gene, results from a T to G substitution at nucleotide position 6493. The serine at codon 2165 is replaced by alanine, an amino acid with similar properties. This amino acid position is conserved. In addition, this alteration is predicted to be tolerated by in silico analysis. Since supporting evidence is limited at this time, the clinical significance of this alteration remains unclear.